The following is an entry in ClinVar:

NM_005630.3(SLCO2A1):c.1333C>T (p.Arg445Cys)

Genes: SLCO2A1 (solute carrier organic anion transporter family member 2A1; minus strand), LOC123038185 (Sharpr-MPRA regulatory region 14374; plus strand). Cytogenetic location: 3q22.1.
Variant type: single nucleotide variant.
Coding change: c.1333C>T on transcript NM_005630.3 (MANE Select); coding-DNA position 1333, C replaced by T.
Protein change: p.Arg445Cys; replaces arginine 445 with cysteine.
Molecular consequence: missense variant.
Genome position (GRCh38, 1-based): chr3:133,945,223, G>A on the plus strand (C>T on the coding strand, the complement: SLCO2A1 is on the minus strand). VCF-style: chr3-133945223-G-A. GRCh37 (hg19) VCF-style: chr3-133664067-G-A.
Other names: short protein forms R445C.
Identifiers: ClinVar variation 774302 (VCV000774302.37), dbSNP rs146970901, ClinGen allele CA2626497.

ClinVar aggregate classification (germline): Benign/Likely benign. Review status: criteria provided, multiple submitters, no conflicts (2 of 4 stars). 5 submissions from 5 submitters: Benign (2); Likely benign (1). 2 of the submissions do not count toward it. Last evaluated 2026-07-01.

Conditions:
Hypertrophic osteoarthropathy, primary, autosomal recessive, 2 (PHOAR2E). Also called: PACHYDERMOPERIOSTOSIS, AUTOSOMAL RECESSIVE; PDP, AUTOSOMAL RECESSIVE; PHOAR2-enteropathy syndrome; HYPERTROPHIC OSTEOARTHROPATHY, PRIMARY, AUTOSOMAL RECESSIVE, 2/ENTEROPATHY SYNDROME. Identifiers: Orphanet 2796, MedGen C3280800, MONDO:0013756, OMIM 614441.
SLCO2A1-related disorder. Also called: SLCO2A1-related condition.

Allele frequency attached by ClinVar (database versions not stated): 1000 Genomes Project 30x 0.00109; 1000 Genomes Project 0.00120; TOPMed 0.00122; ESP Exome Variant Server 0.00131; ExAC 0.00184; gnomAD exomes 0.00215; gnomAD 0.00231 and 0.00242.
gnomAD v4.1: 2,502 of 1,613,554 alleles (0.16%); highest among the groups gnomAD compares: African/African-American, 0.13%; 13 homozygotes.

Submissions (5):

CeGaT Center for Human Genetics Tuebingen
Classification: Likely benign. Last evaluated: 2026-07-01. Review status: criteria provided, single submitter. Criteria: CeGaT Center For Human Genetics Tuebingen Variant Classification Criteria Version 2. Collection method: clinical testing. Allele origin: germline. Affected: yes. Observed: 3 variant alleles.
Comment: SLCO2A1: BP4, BS2

Labcorp Genetics (formerly Invitae), Labcorp
Classification: Benign. Last evaluated: 2025-12-08. Review status: criteria provided, single submitter. Criteria: Invitae Variant Classification Sherloc (09022015). Collection method: clinical testing. Allele origin: germline.

Breakthrough Genomics
Classification: Benign. Review status: criteria provided, single submitter. Criteria: ACMG Guidelines, 2015. Collection method: not provided. Allele origin: germline. Inheritance: Autosomal recessive inheritance. Affected: yes.

PreventionGenetics, part of Exact Sciences
Classification: Benign for SLCO2A1-related condition. Last evaluated: 2019-07-31. Review status: no assertion criteria provided. Collection method: clinical testing. Allele origin: germline. Not counted in ClinVar's aggregate classification.
Comment: This variant is classified as benign based on ACMG/AMP sequence variant interpretation guidelines (Richards et al. 2015 PMID: 25741868, with internal and published modifications).

Bioscientia Institut fuer Medizinische Diagnostik GmbH, Sonic Healthcare
Classification: Uncertain significance for Hypertrophic osteoarthropathy, primary, autosomal recessive, 2. Last evaluated: 2019-06-25. Review status: no assertion criteria provided. Collection method: clinical testing. Allele origin: germline. Affected: yes. Not counted in ClinVar's aggregate classification.